The following is an entry in ClinVar:

ClinVar aggregate classification (germline): Likely pathogenic. Review status: criteria provided, multiple submitters, no conflicts (2 of 4 stars). 2 submissions from 2 submitters: Likely pathogenic (2). Last evaluated 2023-07-21.

Conditions:
Spastic paraplegia. Identifiers: MedGen C0037772, HP:0001258.
Hereditary spastic paraplegia 15 (SPG15). Also called: KJELLIN SYNDROME; SPASTIC PARAPLEGIA AND RETINAL DEGENERATION; SPASTIC PARAPLEGIA 15, AUTOSOMAL RECESSIVE. Identifiers: Orphanet 100996, MedGen C1849128, MONDO:0010044, OMIM 270700.

Submissions (2):

Revvity Omics, Revvity
Classification: Likely pathogenic for Hereditary spastic paraplegia 15. Last evaluated: 2023-07-21. Review status: criteria provided, single submitter. Criteria: ACMG Guidelines, 2015. Collection method: clinical testing. Allele origin: germline.

Labcorp Genetics (formerly Invitae), Labcorp
Classification: Likely pathogenic for Spastic paraplegia. Last evaluated: 2020-02-18. Review status: criteria provided, single submitter. Criteria: Invitae Variant Classification Sherloc (09022015). Collection method: clinical testing. Allele origin: germline.
Comment: This variant is not present in population databases (ExAC no frequency). This sequence change affects an acceptor splice site in intron 24 of the ZFYVE26 gene. It is expected to disrupt RNA splicing and likely results in an absent or disrupted protein product. This variant has not been reported in the literature in individuals with ZFYVE26-related conditions. Algorithms developed to predict the effect of sequence changes on RNA splicing suggest that this variant may disrupt the consensus splice site, but this prediction has not been confirmed by published transcriptional studies. Donor and acceptor splice site variants typically lead to a loss of protein function (PMID: 16199547), and loss-of-function variants in ZFYVE26 are known to be pathogenic (PMID: 18394578, 19805727). In summary, the currently available evidence indicates that the variant is pathogenic, but additional data are needed to prove that conclusively. Therefore, this variant has been classified as Likely Pathogenic.

Literature cited by the submitters: PubMed 16199547 (cited by Labcorp Genetics (formerly Invitae), Labcorp); PubMed 18394578 (cited by Labcorp Genetics (formerly Invitae), Labcorp); PubMed 19805727 (cited by Labcorp Genetics (formerly Invitae), Labcorp).

NM_015346.4(ZFYVE26):c.4798-1G>A

Gene: ZFYVE26 (zinc finger FYVE-type containing 26; minus strand). Cytogenetic location: 14q24.1.
Variant type: single nucleotide variant.
Coding change: c.4798-1G>A on transcript NM_015346.4 (MANE Select); the canonical splice acceptor site of the intron before coding-DNA position 4798, G replaced by A.
Molecular consequence: splice acceptor variant.
Genome position (GRCh38, 1-based): chr14:67,777,736, C>T on the plus strand (G>A on the coding strand, the complement: ZFYVE26 is on the minus strand). VCF-style: chr14-67777736-C-T. GRCh37 (hg19) VCF-style: chr14-68244453-C-T.
Identifiers: ClinVar variation 1066515 (VCV001066515.10), dbSNP rs1555396303, ClinGen allele CA390168978.